The following is an entry in ClinVar:

ClinVar aggregate classification (germline): Pathogenic/Likely pathogenic. Review status: criteria provided, multiple submitters, no conflicts (2 of 4 stars). 2 submissions from 2 submitters: Pathogenic (1); Likely pathogenic (1). Last evaluated 2023-08-22.

Conditions:
TULP1-related disorder. Also called: TULP1-related disorders; TULP1-related condition.

Submissions (2):

Labcorp Genetics (formerly Invitae), Labcorp
Classification: Pathogenic. Last evaluated: 2023-08-22. Review status: criteria provided, single submitter. Criteria: Invitae Variant Classification Sherloc (09022015). Collection method: clinical testing. Allele origin: germline.
Comment: For these reasons, this variant has been classified as Pathogenic. Algorithms developed to predict the effect of sequence changes on RNA splicing suggest that this variant may disrupt the consensus splice site. This variant has not been reported in the literature in individuals affected with TULP1-related conditions. This variant is not present in population databases (gnomAD no frequency). This sequence change creates a premature translational stop signal (p.Arg9*) in the TULP1 gene. It is expected to result in an absent or disrupted protein product. Loss-of-function variants in TULP1 are known to be pathogenic (PMID: 8606774, 10549638, 15024725, 18055821).

Blueprint Genetics
Classification: Likely pathogenic for TULP1-related disorders. Last evaluated: 2022-09-05. Review status: criteria provided, single submitter. Criteria: ACMG Guidelines, 2015. Collection method: clinical testing. Allele origin: germline. Affected: yes. Observed: 1 variant allele.

Literature cited by the submitters: PubMed 8606774 (cited by Labcorp Genetics (formerly Invitae), Labcorp); PubMed 10549638 (cited by Labcorp Genetics (formerly Invitae), Labcorp); PubMed 15024725 (cited by Labcorp Genetics (formerly Invitae), Labcorp); PubMed 18055821 (cited by Labcorp Genetics (formerly Invitae), Labcorp).

NM_003322.6(TULP1):c.25C>T (p.Arg9Ter)

Gene: TULP1 (TUB like protein 1; minus strand). Cytogenetic location: 6p21.31.
Variant type: single nucleotide variant.
Coding change: c.25C>T on transcript NM_003322.6 (MANE Select); coding-DNA position 25, C replaced by T.
Protein change: p.Arg9Ter; replaces arginine 9 with a stop codon.
Molecular consequence: nonsense.
Genome position (GRCh38, 1-based): chr6:35,512,834, G>A on the plus strand (C>T on the coding strand, the complement: TULP1 is on the minus strand). VCF-style: chr6-35512834-G-A. GRCh37 (hg19) VCF-style: chr6-35480611-G-A.
Other names: c.25C>T, p.Arg9Ter (NM_001289395.2); short protein forms R9*.
Identifiers: ClinVar variation 2906502 (VCV002906502.4), dbSNP rs759802314, ClinGen allele CA363785452.